The following is an entry in ClinVar:

NM_020461.4(TUBGCP6):c.3441_3521del (p.Val1151_Asp1177del)

Gene: TUBGCP6 (tubulin gamma complex component 6; minus strand). Cytogenetic location: 22q13.33.
Variant type: Deletion.
Coding change: c.3441_3521del on transcript NM_020461.4 (MANE Select); coding-DNA positions 3441 to 3521, 81 bases deleted.
Protein change: p.Val1151_Asp1177del.
Molecular consequence: inframe deletion.
Genome position (GRCh38, 1-based): chr22:50,220,838-50,220,918, 81 bases deleted. GRCh37 (hg19): chr22:50,659,267-50,659,347.
Identifiers: ClinVar variation 2240342 (VCV002240342.2), dbSNP rs1569111488, ClinGen allele CA10307922.

ClinVar aggregate classification (germline): Uncertain significance (1 of 4 stars; one submission).

Conditions:
Inborn genetic diseases. Identifiers: MedGen C0950123, MeSH D030342.

Submission:

Ambry Genetics
Classification: Uncertain significance for Inborn genetic diseases. Last evaluated: 2021-09-02. Review status: criteria provided, single submitter. Criteria: Ambry Variant Classification Scheme 2023. Collection method: clinical testing. Allele origin: germline.
Comment: The c.3441_3521del81 (p.V1151_D1177del) alteration is located in exon 16 (coding exon 16) of the TUBGCP6 gene. This alteration consists of an in-frame deletion of 81 nucleotides between nucleotide positions c.3441 and c.3521, resulting in the deletion of 27 residues. Based on insufficient or conflicting evidence, the clinical significance of this alteration remains unclear.